The following is an entry in ClinVar:

ClinVar aggregate classification (germline): Pathogenic/Likely pathogenic. Review status: criteria provided, multiple submitters, no conflicts (2 of 4 stars). 2 submissions from 2 submitters: Pathogenic (1); Likely pathogenic (1). Last evaluated 2024-03-26.

Conditions:
Joubert syndrome. Also called: CEREBELLOPARENCHYMAL DISORDER IV; JOUBERT-BOLTSHAUSER SYNDROME; Familial aplasia of the vermis. Identifiers: Orphanet 475, MedGen C5979921, MONDO:0018772.
Joubert syndrome 3 (JBTS3). Also called: AHI1-related Ciliopathy. Identifiers: Orphanet 220493, MedGen C1837713, MONDO:0012078, OMIM 608629.

Submissions (2):

Fulgent Genetics
Classification: Likely pathogenic for Joubert syndrome 3. Last evaluated: 2024-03-26. Review status: criteria provided, single submitter. Criteria: ACMG Guidelines, 2015. Collection method: clinical testing. Allele origin: germline.

Labcorp Genetics (formerly Invitae), Labcorp
Classification: Pathogenic for Joubert syndrome. Last evaluated: 2023-08-31. Review status: criteria provided, single submitter. Criteria: Invitae Variant Classification Sherloc (09022015). Collection method: clinical testing. Allele origin: germline.
Comment: For these reasons, this variant has been classified as Pathogenic. Algorithms developed to predict the effect of sequence changes on RNA splicing suggest that this variant may disrupt the consensus splice site. This variant has not been reported in the literature in individuals affected with AHI1-related conditions. This variant is not present in population databases (gnomAD no frequency). This sequence change creates a premature translational stop signal (p.Gln1030*) in the AHI1 gene. It is expected to result in an absent or disrupted protein product. Loss-of-function variants in AHI1 are known to be pathogenic (PMID: 15322546, 16453322, 28442542, 29186038).

Literature cited by the submitters: PubMed 15322546 (cited by Labcorp Genetics (formerly Invitae), Labcorp); PubMed 16453322 (cited by Labcorp Genetics (formerly Invitae), Labcorp); PubMed 28442542 (cited by Labcorp Genetics (formerly Invitae), Labcorp); PubMed 29186038 (cited by Labcorp Genetics (formerly Invitae), Labcorp).

NM_001134831.2(AHI1):c.3088C>T (p.Gln1030Ter)

Gene: AHI1 (Abelson helper integration site 1; minus strand). Cytogenetic location: 6q23.3.
Variant type: single nucleotide variant.
Coding change: c.3088C>T on transcript NM_001134831.2 (MANE Select); coding-DNA position 3088, C replaced by T.
Protein change: p.Gln1030Ter; replaces glutamine 1030 with a stop codon.
Molecular consequence: nonsense.
Genome position (GRCh38, 1-based): chr6:135,394,797, G>A on the plus strand (C>T on the coding strand, the complement: AHI1 is on the minus strand). VCF-style: chr6-135394797-G-A. GRCh37 (hg19) VCF-style: chr6-135715935-G-A.
Other names: c.3088C>T, p.Gln1030Ter (NM_001134830.2, NM_001134832.2, NM_001350503.2 and 2 more transcripts); c.3088C>T (NM_017651.4); short protein forms Q1030*.
Identifiers: ClinVar variation 2918020 (VCV002918020.4), dbSNP rs2484034993, ClinGen allele CA365843599.